The following is an entry in ClinVar:

ClinVar aggregate classification (germline): Uncertain significance. Review status: criteria provided, multiple submitters, no conflicts (2 of 4 stars). 2 submissions from 2 submitters: Uncertain significance (2). Last evaluated 2025-11-10.

Conditions:
Werner syndrome (WRN). Identifiers: Orphanet 902, MedGen C0043119, MONDO:0010196, OMIM 277700.

Allele frequency attached by ClinVar (database versions not stated): gnomAD below 0.00001 and 0.00001; TOPMed 0.00001; gnomAD exomes 0.00006 and 0.00014; ExAC 0.00021.
gnomAD v4.1: 93 of 1,613,982 alleles (0.0058%); highest among the groups gnomAD compares: South Asian, 0.096%; 3 homozygotes.

Submissions (2):

Labcorp Genetics (formerly Invitae), Labcorp
Classification: Uncertain significance for Werner syndrome. Last evaluated: 2025-11-10. Review status: criteria provided, single submitter. Criteria: Invitae Variant Classification Sherloc (09022015). Collection method: clinical testing. Allele origin: germline.
Comment: This sequence change replaces isoleucine, which is neutral and non-polar, with valine, which is neutral and non-polar, at codon 1316 of the WRN protein (p.Ile1316Val). This variant is present in population databases (rs750389299, gnomAD 0.1%), including at least one homozygous and/or hemizygous individual. This variant has not been reported in the literature in individuals affected with WRN-related conditions. ClinVar contains an entry for this variant (Variation ID: 573335). An algorithm developed to predict the effect of missense changes on protein structure and function (PolyPhen-2) suggests that this variant is likely to be disruptive. In summary, the available evidence is currently insufficient to determine the role of this variant in disease. Therefore, it has been classified as a Variant of Uncertain Significance.

Women's Health and Genetics/Laboratory Corporation of America, LabCorp
Classification: Uncertain significance. Last evaluated: 2024-01-15. Review status: criteria provided, single submitter. Criteria: LabCorp Variant Classification Summary - May 2015. Collection method: clinical testing. Allele origin: germline.
Comment: Variant summary: WRN c.3946A>G (p.Ile1316Val) results in a conservative amino acid change located in the Helicase Helix-turn-helix domain (IPR029491) of the encoded protein sequence. Three of five in-silico tools predict a benign effect of the variant on protein function. The variant allele was found at a frequency of 5.8e-05 in 1613982 control chromosomes in the gnomAD database, including three homozygotes. This frequency is not significantly higher than estimated for a pathogenic variant in WRN causing Werner Syndrome (5.8e-05 vs 0.0025), allowing no conclusion about variant significance. However, the presence of three homozygotes is suggestive of a benign role for this variant, and at least one homozygote is 55-60 years old, which exceeds the average age of death (54 years) for individuals with Werner syndrome (GeneReviews). c.3946A>G has been reported in the literature in at least one individual referred for sequencing of loci associated with dyslipidemia and related metabolic traits, but with no clear diagnosis provided (e.g. Dron_2020). This report does not provide unequivocal conclusions about association of the variant with Werner Syndrome. To our knowledge, no experimental evidence demonstrating an impact on protein function has been reported. The following publication has been ascertained in the context of this evaluation (PMID: 32041611). ClinVar contains an entry for this variant (Variation ID: 573335). Based on the evidence outlined above, the variant was classified as VUS-possibly benign.

Literature cited by the submitters: PubMed 32041611 (cited by Women's Health and Genetics/Laboratory Corporation of America, LabCorp).

NM_000553.6(WRN):c.3946A>G (p.Ile1316Val)

Gene: WRN (WRN RecQ like helicase; plus strand). Cytogenetic location: 8p12.
Variant type: single nucleotide variant.
Coding change: c.3946A>G on transcript NM_000553.6 (MANE Select); coding-DNA position 3946, A replaced by G.
Protein change: p.Ile1316Val; replaces isoleucine 1316 with valine.
Molecular consequence: missense variant.
Genome position (GRCh38, 1-based): chr8:31,157,494, A>G. VCF-style: chr8-31157494-A-G. GRCh37 (hg19) VCF-style: chr8-31015010-A-G.
Other names: short protein forms I1316V.
Identifiers: ClinVar variation 573335 (VCV000573335.8), dbSNP rs750389299, ClinGen allele CA4705210.
Genomic context (GRCh38, chr8:31,157,494, plus strand): 5'-AAAGCTGGCTGCCCCCTTGATTTGGAGCGAGCAGGCCTGACTCCAGAGGTTCAGAAGATT[A>G]TTGCTGATGTTATCCGAAACCCTCCCGTCAACTCAGGTGAGAGGCATGGCCTAGCTCTGC-3'
Protein context (NP_000544.2, residues 1306-1326): AGLTPEVQKI[Ile1316Val]ADVIRNPPVN